The following is an entry in ClinVar:

NM_000417.3(IL2RA):c.673G>A (p.Glu225Lys)

Gene: IL2RA (interleukin 2 receptor subunit alpha; minus strand). Cytogenetic location: 10p15.1.
Variant type: single nucleotide variant.
Coding change: c.673G>A on transcript NM_000417.3 (MANE Select); coding-DNA position 673, G replaced by A.
Protein change: p.Glu225Lys; replaces glutamic acid 225 with lysine.
Molecular consequence: missense variant.
Genome position (GRCh38, 1-based): chr10:6,019,482, C>T on the plus strand (G>A on the coding strand, the complement: IL2RA is on the minus strand). VCF-style: chr10-6019482-C-T. GRCh37 (hg19) VCF-style: chr10-6061445-C-T.
Other names: c.457G>A, p.Glu153Lys (NM_001308242.2); c.385G>A, p.Glu129Lys (NM_001308243.2); short protein forms E129K, E225K, E153K.
Identifiers: ClinVar variation 2188365 (VCV002188365.4), dbSNP rs2539640230, ClinGen allele CA375925118.

ClinVar aggregate classification (germline): Uncertain significance (1 of 4 stars; one submission).

Conditions:
Immunodeficiency due to CD25 deficiency. Also called: IL2RA DEFICIENCY; CD25 DEFICIENCY; IMMUNODEFICIENCY 41 WITH LYMPHOPROLIFERATION AND AUTOIMMUNITY. Identifiers: Orphanet 169100, MedGen C1853392, MONDO:0011664, OMIM 606367.

Allele frequency attached by ClinVar (database versions not stated): gnomAD exomes below 0.00001.
gnomAD v4.1: 1 of 1,613,252 alleles (0.000062%); highest among the groups gnomAD compares: Non-Finnish European, 0.000085%; no homozygotes.

Submission:

Labcorp Genetics (formerly Invitae), Labcorp
Classification: Uncertain significance for Immunodeficiency due to CD25 deficiency. Last evaluated: 2022-06-19. Review status: criteria provided, single submitter. Criteria: Invitae Variant Classification Sherloc (09022015). Collection method: clinical testing. Allele origin: germline.
Comment: In summary, the available evidence is currently insufficient to determine the role of this variant in disease. Therefore, it has been classified as a Variant of Uncertain Significance. Algorithms developed to predict the effect of missense changes on protein structure and function (SIFT, PolyPhen-2, Align-GVGD) all suggest that this variant is likely to be tolerated. This variant has not been reported in the literature in individuals affected with IL2RA-related conditions. This variant is not present in population databases (gnomAD no frequency). This sequence change replaces glutamic acid, which is acidic and polar, with lysine, which is basic and polar, at codon 225 of the IL2RA protein (p.Glu225Lys).